The following is an entry in ClinVar:

ClinVar aggregate classification (germline): Pathogenic (1 of 4 stars; one submission).

Conditions:
Acrocallosal syndrome (ACLS). Also called: HALLUX DUPLICATION, POSTAXIAL POLYDACTYLY, AND ABSENCE OF CORPUS CALLOSUM; Schinzel syndrome 1; Absence of corpus callosum with unusual facial appearance, mental deficiency, duplication of the halluces and polydactyly. Identifiers: Orphanet 36, MedGen C0796147, MONDO:0008708, OMIM 200990.

gnomAD v4.1: 17 of 1,581,720 alleles (0.0011%); highest among the groups gnomAD compares: Non-Finnish European, 0.00043%; no homozygotes.

Submission:

Labcorp Genetics (formerly Invitae), Labcorp
Classification: Pathogenic for Acrocallosal syndrome. Last evaluated: 2024-10-24. Review status: criteria provided, single submitter. Criteria: Invitae Variant Classification Sherloc (09022015). Collection method: clinical testing. Allele origin: germline.
Comment: This sequence change creates a premature translational stop signal (p.Gln924*) in the KIF7 gene. It is expected to result in an absent or disrupted protein product. Loss-of-function variants in KIF7 are known to be pathogenic (PMID: 19666503, 21552264, 21633164, 26648833). This variant is present in population databases (no rsID available, gnomAD 0.02%). This variant has not been reported in the literature in individuals affected with KIF7-related conditions. ClinVar contains an entry for this variant (Variation ID: 2202020). For these reasons, this variant has been classified as Pathogenic.

Literature cited by the submitters: PubMed 19666503; PubMed 21552264; PubMed 21633164; PubMed 26648833.

NM_198525.3(KIF7):c.2770C>T (p.Gln924Ter)

Gene: KIF7 (kinesin family member 7; minus strand). Cytogenetic location: 15q26.1.
Variant type: single nucleotide variant.
Coding change: c.2770C>T on transcript NM_198525.3 (MANE Select); coding-DNA position 2770, C replaced by T.
Protein change: p.Gln924Ter; replaces glutamine 924 with a stop codon.
Molecular consequence: nonsense.
Genome position (GRCh38, 1-based): chr15:89,632,945, G>A on the plus strand (C>T on the coding strand, the complement: KIF7 is on the minus strand). VCF-style: chr15-89632945-G-A. GRCh37 (hg19) VCF-style: chr15-90176176-G-A.
Other names: short protein forms Q924*.
Identifiers: ClinVar variation 2202020 (VCV002202020.4), dbSNP rs372338933, ClinGen allele CA274567959.
Genomic context (GRCh38, chr15:89,632,945, plus strand): 5'-CCAGGATGGCCTCCCGCTTGTGGAGCTCCTCCCCCAGCTCCTCCAGCGCCCGCCGCTGCT[G>A]TAGCACCTTCTCCATCTCCTGGTCCAGCCACTTCTTCTGCTCCTCAATCTTCTAAGGAAA-3'